The following is an entry in ClinVar:

NM_001244008.2(KIF1A):c.741G>C (p.Val247=)

Gene: KIF1A (kinesin family member 1A; minus strand). Cytogenetic location: 2q37.3.
Variant type: single nucleotide variant.
Coding change: c.741G>C on transcript NM_001244008.2 (MANE Select); coding-DNA position 741, G replaced by C.
Protein change: p.Val247=; no amino-acid change (valine 247 retained).
Molecular consequence: synonymous variant.
Genome position (GRCh38, 1-based): chr2:240,783,796, C>G on the plus strand (G>C on the coding strand, the complement: KIF1A is on the minus strand). VCF-style: chr2-240783796-C-G. GRCh37 (hg19) VCF-style: chr2-241723213-C-G.
Other names: c.741G>C, p.Val247= (NM_001320705.2, NM_001330289.2, NM_001330290.2 and 20 more transcripts).
Identifiers: ClinVar variation 3355658 (VCV003355658.1).

ClinVar aggregate classification (germline): Likely benign (0 of 4 stars; one submission).

Conditions:
KIF1A-related disorder. Also called: KIF1A-related disorders; KIF1A-related condition.

Submission:

PreventionGenetics, part of Exact Sciences
Classification: Likely benign for KIF1A-related condition. Last evaluated: 2024-09-09. Review status: no assertion criteria provided. Collection method: clinical testing. Allele origin: germline.
Comment: This variant is classified as likely benign based on ACMG/AMP sequence variant interpretation guidelines (Richards et al. 2015 PMID: 25741868, with internal and published modifications).